The following is an entry in ClinVar:

ClinVar aggregate classification (germline): Uncertain significance (1 of 4 stars; one submission).

Submission:

Labcorp Genetics (formerly Invitae), Labcorp
Classification: Uncertain significance. Last evaluated: 2025-06-11. Review status: criteria provided, single submitter. Criteria: Invitae Variant Classification Sherloc (09022015). Collection method: clinical testing. Allele origin: germline.
Comment: This variant, c.7703_7705del, results in the deletion of 1 amino acid(s) of the FAT2 protein (p.Phe2568del), but otherwise preserves the integrity of the reading frame. This variant is present in population databases (rs757115918, gnomAD 0.02%). This variant has not been reported in the literature in individuals affected with FAT2-related conditions. Experimental studies and prediction algorithms are not available or were not evaluated, and the functional significance of this variant is currently unknown. In summary, the available evidence is currently insufficient to determine the role of this variant in disease. Therefore, it has been classified as a Variant of Uncertain Significance.

NM_001447.3(FAT2):c.7703_7705del (p.Phe2568del)

Genes: FAT2 (FAT atypical cadherin 2; minus strand), SLC36A1 (solute carrier family 36 member 1; plus strand). Cytogenetic location: 5q33.1.
Variant type: Deletion.
Coding change: c.7703_7705del on transcript NM_001447.3 (MANE Select); coding-DNA positions 7703 to 7705, 3 bases deleted (TCT; older notation c.7703_7705delTCT).
Protein change: p.Phe2568del; deletes phenylalanine 2568.
Molecular consequence: inframe deletion.
Genome position (GRCh38, 1-based): chr5:151,543,422-151,543,424, AGA deleted on the plus strand (TCT on the coding strand, the reverse complement: FAT2 is on the minus strand); deleting any 3 consecutive bases within chr5:151,543,422-151,543,426 gives the same sequence; the c. name uses the placement nearest the transcript's 3' end. VCF-style (leftmost placement, unchanged base first): chr5-151543421-CAGA-C. GRCh37 (hg19) VCF-style: chr5-150922982-CAGA-C.
Other names: short protein forms F2568del.
Identifiers: ClinVar variation 4691534 (VCV004691534.1).